The following is an entry in ClinVar:

ClinVar aggregate classification (germline): Uncertain significance. Review status: criteria provided, multiple submitters, no conflicts (2 of 4 stars). 2 submissions from 2 submitters: Uncertain significance (2). Last evaluated 2025-10-09.

Conditions:
Inborn genetic diseases. Identifiers: MedGen C0950123, MeSH D030342.

Allele frequency attached by ClinVar (database versions not stated): ExAC 0.00003; gnomAD 0.00007; TOPMed 0.00008; ESP Exome Variant Server 0.00023.
gnomAD v4.1: 135 of 1,613,994 alleles (0.0084%); highest among the groups gnomAD compares: Non-Finnish European, 0.011%; no homozygotes.

Submissions (2):

Labcorp Genetics (formerly Invitae), Labcorp
Classification: Uncertain significance. Last evaluated: 2025-10-09. Review status: criteria provided, single submitter. Criteria: Invitae Variant Classification Sherloc (09022015). Collection method: clinical testing. Allele origin: germline.
Comment: This sequence change replaces glutamic acid, which is acidic and polar, with lysine, which is basic and polar, at codon 68 of the PLVAP protein (p.Glu68Lys). This variant is present in population databases (rs148432183, gnomAD 0.01%). This variant has not been reported in the literature in individuals affected with PLVAP-related conditions. ClinVar contains an entry for this variant (Variation ID: 3215489). Invitae Evidence Modeling of protein sequence and biophysical properties (such as structural, functional, and spatial information, amino acid conservation, physicochemical variation, residue mobility, and thermodynamic stability) indicates that this missense variant is not expected to disrupt PLVAP protein function with a negative predictive value of 80%. In summary, the available evidence is currently insufficient to determine the role of this variant in disease. Therefore, it has been classified as a Variant of Uncertain Significance.

Ambry Genetics
Classification: Uncertain significance for Inborn genetic diseases. Last evaluated: 2024-03-01. Review status: criteria provided, single submitter. Criteria: Ambry Variant Classification Scheme 2023. Collection method: clinical testing. Allele origin: germline.

NM_031310.3(PLVAP):c.202G>A (p.Glu68Lys)

Gene: PLVAP (plasmalemma vesicle associated protein; minus strand). Cytogenetic location: 19p13.11.
Variant type: single nucleotide variant.
Coding change: c.202G>A on transcript NM_031310.3 (MANE Select); coding-DNA position 202, G replaced by A.
Protein change: p.Glu68Lys; replaces glutamic acid 68 with lysine.
Molecular consequence: missense variant.
Genome position (GRCh38, 1-based): chr19:17,377,087, C>T on the plus strand (G>A on the coding strand, the complement: PLVAP is on the minus strand). VCF-style: chr19-17377087-C-T. GRCh37 (hg19) VCF-style: chr19-17487896-C-T.
Other names: short protein forms E68K.
Identifiers: ClinVar variation 3215489 (VCV003215489.2), dbSNP rs148432183, ClinGen allele CA9294119.
Genomic context (GRCh38, chr19:17,377,087, plus strand): 5'-GCTCCTTGGTCAAGTTGGACTGGGAGGCCGTGAGCCCTAGGAGCTGACTGTATAGGCCCT[C>T]GGCTCGGCGCTCGGTGGCCTGCAGGTTGGACTCTGTGCTCACGTGCACGTTGCCATAGAC-3'
Protein context (NP_112600.1, residues 58-78): SNLQATERRA[Glu68Lys]GLYSQLLGLT